The following is an entry in ClinVar:

NM_006648.4(WNK2):c.4558G>C (p.Gly1520Arg)

Gene: WNK2 (WNK lysine deficient protein kinase 2; plus strand). Cytogenetic location: 9q22.31.
Variant type: single nucleotide variant.
Coding change: c.4558G>C on transcript NM_006648.4 (MANE Select); coding-DNA position 4558, G replaced by C.
Protein change: p.Gly1520Arg; replaces glycine 1520 with arginine.
Molecular consequence: missense variant.
Genome position (GRCh38, 1-based): chr9:93,289,312, G>C. VCF-style: chr9-93289312-G-C. GRCh37 (hg19) VCF-style: chr9-96051594-G-C.
Other names: c.4669G>C, p.Gly1557Arg (NM_001282394.3); short protein forms G1520R, G1557R.
Identifiers: ClinVar variation 3981910 (VCV003981910.1).

ClinVar aggregate classification (germline): Uncertain significance (1 of 4 stars; one submission).

Submission:

Ambry Genetics
Classification: Uncertain significance. Last evaluated: 2025-04-18. Review status: criteria provided, single submitter. Criteria: Ambry Variant Classification Scheme 2023. Collection method: clinical testing. Allele origin: germline.
Comment: The p.G1520R variant (also known as c.4558G>C), located in coding exon 19 of the WNK2 gene, results from a G to C substitution at nucleotide position 4558. The glycine at codon 1520 is replaced by arginine, an amino acid with dissimilar properties. This amino acid position is conserved. In addition, this alteration is predicted to be tolerated by in silico analysis. Based on the available evidence, the clinical significance of this variant remains unclear.